The following is an entry in ClinVar:

NM_001854.4(COL11A1):c.2917-73C>T

Gene: COL11A1 (collagen type XI alpha 1 chain; minus strand). Cytogenetic location: 1p21.1.
Variant type: single nucleotide variant.
Coding change: c.2917-73C>T on transcript NM_001854.4 (MANE Select); 73 bases into the intron before coding-DNA position 2917, C replaced by T.
Molecular consequence: intron variant.
Genome position (GRCh38, 1-based): chr1:102,962,833, G>A on the plus strand (C>T on the coding strand, the complement: COL11A1 is on the minus strand). VCF-style: chr1-102962833-G-A. GRCh37 (hg19) VCF-style: chr1-103428389-G-A.
Other names: c.2800-73C>T (NM_001190709.2); c.2953-73C>T (NM_080629.3); c.2569-73C>T (NM_080630.4).
Identifiers: ClinVar variation 674756 (VCV000674756.2), dbSNP rs1841834, ClinGen allele CA27694524.

ClinVar aggregate classification (germline): Benign. Review status: criteria provided, multiple submitters, no conflicts (2 of 4 stars). 2 submissions from 2 submitters: Benign (2). Last evaluated 2018-06-14.

Allele frequency attached by ClinVar (database versions not stated): TOPMed 0.93808; gnomAD 0.93914 and 0.94190; 1000 Genomes Project 30x 0.94550; 1000 Genomes Project 0.94868; gnomAD exomes 0.96660.
gnomAD v4.1: 1,282,083 of 1,330,674 alleles (96%); highest among the groups gnomAD compares: East Asian, 100%; 618,108 homozygotes.

Submissions (2):

GeneDx
Classification: Benign. Last evaluated: 2018-06-14. Review status: criteria provided, single submitter. Criteria: GeneDx Variant Classification (06012015). Collection method: clinical testing. Allele origin: germline. Affected: yes.
Comment: This variant is considered likely benign or benign based on one or more of the following criteria: it is a conservative change, it occurs at a poorly conserved position in the protein, it is predicted to be benign by multiple in silico algorithms, and/or has population frequency not consistent with disease.

Breakthrough Genomics
Classification: Benign. Review status: criteria provided, single submitter. Criteria: ACMG Guidelines, 2015. Collection method: not provided. Allele origin: germline. Inheritance: Autosomal recessive inheritance. Affected: yes.